The following is an entry in ClinVar:

NM_181507.2(HPS5):c.2681T>G (p.Leu894Ter)

Gene: HPS5 (HPS5 biogenesis of lysosomal organelles complex 2 subunit 2; minus strand). Cytogenetic location: 11p15.1.
Variant type: single nucleotide variant.
Coding change: c.2681T>G on transcript NM_181507.2 (MANE Select); coding-DNA position 2681, T replaced by G.
Protein change: p.Leu894Ter; replaces leucine 894 with a stop codon.
Molecular consequence: nonsense.
Genome position (GRCh38, 1-based): chr11:18,287,571, A>C on the plus strand (T>G on the coding strand, the complement: HPS5 is on the minus strand). VCF-style: chr11-18287571-A-C. GRCh37 (hg19) VCF-style: chr11-18309118-A-C.
Other names: c.2339T>G, p.Leu780Ter (NM_007216.4, NM_181508.2); short protein forms L780*, L894*.
Identifiers: ClinVar variation 1070992 (VCV001070992.7), dbSNP rs2134249363, ClinGen allele CA379518701.

ClinVar aggregate classification (germline): Pathogenic (1 of 4 stars; one submission).

Submission:

Labcorp Genetics (formerly Invitae), Labcorp
Classification: Pathogenic. Last evaluated: 2022-07-19. Review status: criteria provided, single submitter. Criteria: Invitae Variant Classification Sherloc (09022015). Collection method: clinical testing. Allele origin: germline.
Comment: For these reasons, this variant has been classified as Pathogenic. ClinVar contains an entry for this variant (Variation ID: 1070992). This variant has not been reported in the literature in individuals affected with HPS5-related conditions. This variant is not present in population databases (gnomAD no frequency). This sequence change creates a premature translational stop signal (p.Leu894*) in the HPS5 gene. It is expected to result in an absent or disrupted protein product. Loss-of-function variants in HPS5 are known to be pathogenic (PMID: 12548288, 15296495, 21833017, 26785811).

Literature cited by the submitters: PubMed 12548288; PubMed 15296495; PubMed 21833017; PubMed 26785811.